The following is an entry in ClinVar:

ClinVar aggregate classification (germline): Uncertain significance (1 of 4 stars; one submission).

Submission:

Mayo Clinic Laboratories, Mayo Clinic
Classification: Uncertain significance. Last evaluated: 2022-03-22. Review status: criteria provided, single submitter. Criteria: ACMG Guidelines, 2015. Collection method: clinical testing. Allele origin: germline. Observed: 1 variant allele.
Comment: PP3, PM2

NM_001134363.3(RBM20):c.1694A>G (p.Glu565Gly)

Gene: RBM20 (RNA binding motif protein 20; plus strand). Cytogenetic location: 10q25.2.
Variant type: single nucleotide variant.
Coding change: c.1694A>G on transcript NM_001134363.3 (MANE Select); coding-DNA position 1694, A replaced by G.
Protein change: p.Glu565Gly; replaces glutamic acid 565 with glycine.
Molecular consequence: missense variant.
Genome position (GRCh38, 1-based): chr10:110,799,812, A>G. VCF-style: chr10-110799812-A-G. GRCh37 (hg19) VCF-style: chr10-112559570-A-G.
Other names: p.Glu565Gly; short protein forms E565G.
Identifiers: ClinVar variation 2683125 (VCV002683125.1), dbSNP rs2493448988, ClinGen allele CA378390678.